The following is an entry in ClinVar:

ClinVar aggregate classification (germline): Uncertain significance (1 of 4 stars; one submission).

Submission:

GeneDx
Classification: Uncertain significance. Last evaluated: 2023-02-07. Review status: criteria provided, single submitter. Criteria: GeneDx Variant Classification Process June 2021. Collection method: clinical testing. Allele origin: germline. Affected: yes.
Comment: Not observed at significant frequency in large population cohorts (gnomAD); In silico analysis supports that this missense variant has a deleterious effect on protein structure/function; Has not been previously published as pathogenic or benign to our knowledge

NM_003119.4(SPG7):c.1166G>T (p.Arg389Leu)

Gene: SPG7 (SPG7 matrix AAA peptidase subunit, paraplegin; plus strand). Cytogenetic location: 16q24.3.
Variant type: single nucleotide variant.
Coding change: c.1166G>T on transcript NM_003119.4 (MANE Select); coding-DNA position 1166, G replaced by T.
Protein change: p.Arg389Leu; replaces arginine 389 with leucine.
Molecular consequence: missense variant.
Genome position (GRCh38, 1-based): chr16:89,532,478, G>T. VCF-style: chr16-89532478-G-T. GRCh37 (hg19) VCF-style: chr16-89598886-G-T.
Other names: c.1166G>T, p.Arg389Leu (NM_001363850.1, NM_199367.3); short protein forms R389L.
Identifiers: ClinVar variation 2574754 (VCV002574754.1), dbSNP rs770100474, ClinGen allele CA397420651.